The following is an entry in ClinVar:

ClinVar aggregate classification (germline): Conflicting classifications of pathogenicity. Review status: criteria provided, conflicting classifications (1 of 4 stars). 9 submissions from 9 submitters: Uncertain significance (1); Benign (4); Likely benign (3). 1 of the submissions does not count toward it. Last evaluated 2026-08-01.

Conditions:
RASA2-related disorder. Also called: RASA2-related condition.

Allele frequency attached by ClinVar (database versions not stated): 1000 Genomes Project 30x 0.00172; ESP Exome Variant Server 0.00176; 1000 Genomes Project 0.00200; TOPMed 0.00322; gnomAD 0.00340 and 0.00349; gnomAD exomes 0.00357 and 0.00547; ExAC 0.01028.
gnomAD v4.1: 7,281 of 1,392,716 alleles (0.52%); highest among the groups gnomAD compares: Non-Finnish European, 0.63%; 26 homozygotes.

Submissions (9):

CeGaT Center for Human Genetics Tuebingen
Classification: Likely benign. Last evaluated: 2026-08-01. Review status: criteria provided, single submitter. Criteria: CeGaT Center For Human Genetics Tuebingen Variant Classification Criteria Version 2. Collection method: clinical testing. Allele origin: germline. Affected: yes. Observed: 7 variant alleles.
Comment: RASA2: BS2

Labcorp Genetics (formerly Invitae), Labcorp
Classification: Benign. Last evaluated: 2026-02-01. Review status: criteria provided, single submitter. Criteria: Invitae Variant Classification Sherloc (09022015). Collection method: clinical testing. Allele origin: germline.

Blueprint Genetics
Classification: Likely benign. Last evaluated: 2024-11-25. Review status: criteria provided, single submitter. Criteria: ACMG Guidelines, 2015. Collection method: clinical testing. Allele origin: germline.

ARUP Laboratories, Molecular Genetics and Genomics, ARUP Laboratories
Classification: Benign. Last evaluated: 2023-05-15. Review status: criteria provided, single submitter. Criteria: ARUP Molecular Germline Variant Investigation Process 2024. Collection method: clinical testing. Allele origin: germline.

Ambry Genetics
Classification: Likely benign. Last evaluated: 2022-09-24. Review status: criteria provided, single submitter. Criteria: Ambry Variant Classification Scheme 2023. Collection method: clinical testing. Allele origin: germline.

Women's Health and Genetics/Laboratory Corporation of America, LabCorp
Classification: Benign. Last evaluated: 2019-08-26. Review status: criteria provided, single submitter. Criteria: LabCorp Variant Classification Summary - May 2015. Collection method: clinical testing. Allele origin: germline.
Comment: Variant summary: RASA2 c.17C>T (p.Pro6Leu) results in a non-conservative amino acid change in the encoded protein sequence. Three of five in-silico tools predict a benign effect of the variant on protein function. The variant allele was found at a frequency of 0.0036 in 78770 control chromosomes in the gnomAD database, including 2 homozygotes. The observed variant frequency is approximately 713 fold of the estimated maximal expected allele frequency for a pathogenic variant in RASA2 causing Noonan Syndrome and Related Conditions phenotype (5e-06), strongly suggesting that the variant is benign. To our knowledge, no occurrence of c.17C>T in individuals affected with Noonan Syndrome and Related Conditions and no experimental evidence demonstrating its impact on protein function have been reported. One clinical diagnostic laboratory has submitted clinical-significance assessments for this variant to ClinVar after 2014 without evidence for independent evaluation and classified the variant as uncertain significance. Based on the evidence outlined above, the variant was classified as benign.

GeneDx
Classification: Benign. Last evaluated: 2019-08-06. Review status: criteria provided, single submitter. Criteria: GeneDx Variant Classification Process June 2021. Collection method: clinical testing. Allele origin: germline. Affected: yes.

Genomic Diagnostic Laboratory, Division of Genomic Diagnostics, Children's Hospital of Philadelphia
Classification: Uncertain significance. Last evaluated: 2015-06-18. Review status: criteria provided, single submitter. Criteria: DGD Variant Analysis Guidelines. Collection method: clinical testing. Allele origin: unknown.

PreventionGenetics, part of Exact Sciences
Classification: Benign for RASA2-related condition. Last evaluated: 2020-10-26. Review status: no assertion criteria provided. Collection method: clinical testing. Allele origin: germline. Not counted in ClinVar's aggregate classification.
Comment: This variant is classified as benign based on ACMG/AMP sequence variant interpretation guidelines (Richards et al. 2015 PMID: 25741868, with internal and published modifications).

NM_006506.5(RASA2):c.17C>T (p.Pro6Leu)

Genes: RASA2 (RAS p21 protein activator 2; plus strand), LOC129937686 (ATAC-STARR-seq lymphoblastoid silent region 14777; plus strand). Cytogenetic location: 3q23.
Variant type: single nucleotide variant.
Coding change: c.17C>T on transcript NM_006506.5 (MANE Select); coding-DNA position 17, C replaced by T.
Protein change: p.Pro6Leu; replaces proline 6 with leucine.
Molecular consequence: missense variant.
Genome position (GRCh38, 1-based): chr3:141,487,100, C>T. VCF-style: chr3-141487100-C-T. GRCh37 (hg19) VCF-style: chr3-141205942-C-T.
Other names: c.17C>T (NM_001303246.1); c.17C>T, p.Pro6Leu (NM_001303245.3, NM_001303246.3); short protein forms P6L.
Identifiers: ClinVar variation 218684 (VCV000218684.43), dbSNP rs201352230, ClinGen allele CA249042.